The following is an entry in ClinVar:

NM_012431.3(SEMA3E):c.287C>T (p.Pro96Leu)

Gene: SEMA3E (semaphorin 3E; minus strand). Cytogenetic location: 7q21.11.
Variant type: single nucleotide variant.
Coding change: c.287C>T on transcript NM_012431.3 (MANE Select); coding-DNA position 287, C replaced by T.
Protein change: p.Pro96Leu; replaces proline 96 with leucine.
Molecular consequence: missense variant.
Genome position (GRCh38, 1-based): chr7:83,469,292, G>A on the plus strand (C>T on the coding strand, the complement: SEMA3E is on the minus strand). VCF-style: chr7-83469292-G-A. GRCh37 (hg19) VCF-style: chr7-83098608-G-A.
Other names: c.287C>T (NM_012431.2); c.107C>T, p.Pro36Leu (NM_001178129.2); short protein forms P36L, P96L.
Identifiers: ClinVar variation 2905611 (VCV002905611.5), dbSNP rs147614840, ClinGen allele CA4322390.

ClinVar aggregate classification (germline): Conflicting classifications of pathogenicity. Review status: criteria provided, conflicting classifications (1 of 4 stars). 3 submissions from 3 submitters: Likely pathogenic (1); Uncertain significance (1). 1 of the submissions does not count toward it. Last evaluated 2024-06-05.

Conditions:
SEMA3E-related disorder. Also called: SEMA3E-related condition.
CHARGE syndrome (CHARGE). Also called: Hittner Hirsch Kreh syndrome; CHARGE ASSOCIATION--COLOBOMA, HEART ANOMALY, CHOANAL ATRESIA, RETARDATION, GENITAL AND EAR ANOMALIES; Coloboma, heart anomaly, choanal atresia, retardation, genital and ear anomalies; CHARGE association; Hall-Hittner syndrome. Identifiers: Orphanet 138, MedGen C0265354, MONDO:0008965.
Hypogonadotropic hypogonadism 5 with or without anosmia (KAL5). Also called: CHD7-Related GnRH Deficiency (Kallmann Syndrome 5); HYPOGONADOTROPIC HYPOGONADISM 5 WITH ANOSMIA; HYPOGONADOTROPHIC HYPOGONADISM 5 WITHOUT ANOSMIA. Identifiers: Orphanet 478, MedGen C3552553, MONDO:0012880, OMIM 612370. Disease mechanism: loss of function.

Allele frequency attached by ClinVar (database versions not stated): gnomAD exomes 0.00001; TOPMed 0.00002; ExAC 0.00003; gnomAD 0.00003; ESP Exome Variant Server 0.00023.
gnomAD v4.1: 26 of 1,608,434 alleles (0.0016%); highest among the groups gnomAD compares: African/African-American, 0.0027%; no homozygotes.

Submissions (3):

Laboratory of Prof. Karen Avraham, Tel Aviv University
Classification: Likely pathogenic for Hypogonadotropic hypogonadism 5 with or without anosmia. Last evaluated: 2024-06-05. Review status: criteria provided, single submitter. Criteria: ACMG Guidelines, 2015. Collection method: research. Allele origin: germline. Affected: yes. Observed: 1 variant allele.
Comment: A very rare variant in a known dominant deafness gene, predicted to be deleterious by most prediction programs

Autosomal dominant; high-tone normal-to-moderately severe HL

Labcorp Genetics (formerly Invitae), Labcorp
Classification: Uncertain significance for CHARGE syndrome. Last evaluated: 2023-10-23. Review status: criteria provided, single submitter. Criteria: Invitae Variant Classification Sherloc (09022015). Collection method: clinical testing. Allele origin: germline.
Comment: This sequence change replaces proline, which is neutral and non-polar, with leucine, which is neutral and non-polar, at codon 96 of the SEMA3E protein (p.Pro96Leu). This variant is present in population databases (rs147614840, gnomAD 0.08%), and has an allele count higher than expected for a pathogenic variant. This variant has not been reported in the literature in individuals affected with SEMA3E-related conditions. Advanced modeling of protein sequence and biophysical properties (such as structural, functional, and spatial information, amino acid conservation, physicochemical variation, residue mobility, and thermodynamic stability) has been performed at Invitae for this missense variant, however the output from this modeling did not meet the statistical confidence thresholds required to predict the impact of this variant on SEMA3E protein function. In summary, the available evidence is currently insufficient to determine the role of this variant in disease. Therefore, it has been classified as a Variant of Uncertain Significance.

PreventionGenetics, part of Exact Sciences
Classification: Likely benign for SEMA3E-related condition. Last evaluated: 2022-02-17. Review status: no assertion criteria provided. Collection method: clinical testing. Allele origin: germline. Not counted in ClinVar's aggregate classification.
Comment: This variant is classified as likely benign based on ACMG/AMP sequence variant interpretation guidelines (Richards et al. 2015 PMID: 25741868, with internal and published modifications).